The following is an entry in ClinVar:

ClinVar aggregate classification (germline): Uncertain significance (1 of 4 stars; one submission).

Conditions:
Familial hemiplegic migraine. Identifiers: MedGen C0338484, MONDO:0000700.

Submission:

Labcorp Genetics (formerly Invitae), Labcorp
Classification: Uncertain significance for Familial hemiplegic migraine. Last evaluated: 2023-10-05. Review status: criteria provided, single submitter. Criteria: Invitae Variant Classification Sherloc (09022015). Collection method: clinical testing. Allele origin: germline.
Comment: This sequence change replaces threonine, which is neutral and polar, with arginine, which is basic and polar, at codon 959 of the ATP1A2 protein (p.Thr959Arg). This variant is not present in population databases (gnomAD no frequency). This variant has not been reported in the literature in individuals affected with ATP1A2-related conditions. Advanced modeling of protein sequence and biophysical properties (such as structural, functional, and spatial information, amino acid conservation, physicochemical variation, residue mobility, and thermodynamic stability) performed at Invitae indicates that this missense variant is expected to disrupt ATP1A2 protein function. This variant disrupts the p.Thr959 amino acid residue in ATP1A2. Other variant(s) that disrupt this residue have been determined to be pathogenic (Invitae). This suggests that this residue is clinically significant, and that variants that disrupt this residue are likely to be disease-causing. In summary, the available evidence is currently insufficient to determine the role of this variant in disease. Therefore, it has been classified as a Variant of Uncertain Significance.

NM_000702.4(ATP1A2):c.2876C>G (p.Thr959Arg)

Gene: ATP1A2 (ATPase Na+/K+ transporting subunit alpha 2; plus strand). Cytogenetic location: 1q23.2.
Variant type: single nucleotide variant.
Coding change: c.2876C>G on transcript NM_000702.4 (MANE Select); coding-DNA position 2876, C replaced by G.
Protein change: p.Thr959Arg; replaces threonine 959 with arginine.
Molecular consequence: missense variant.
Genome position (GRCh38, 1-based): chr1:160,139,675, C>G. VCF-style: chr1-160139675-C-G. GRCh37 (hg19) VCF-style: chr1-160109465-C-G.
Other names: short protein forms T959R.
Identifiers: ClinVar variation 2847127 (VCV002847127.3), dbSNP rs1226796744, ClinGen allele CA343255178.